The following is an entry in ClinVar:

ClinVar aggregate classification (germline): Uncertain significance (1 of 4 stars; one submission).

Conditions:
Hereditary sensory and autonomic neuropathy type 6. Also called: Neuropathy, hereditary sensory and autonomic, type VI; HSAN VI. Identifiers: Orphanet 314381, MedGen C3539003, MONDO:0013839, OMIM 614653.
Epidermolysis bullosa simplex 3, localized or generalized intermediate, with BP230 deficiency (EBS3). Also called: Epidermolysis bullosa simplex due to BP230 deficiency; Epidermolysis bullosa simplex, autosomal recessive 2. Identifiers: Orphanet 412181, MedGen C3809470, MONDO:0014180, OMIM 615425.

Allele frequency attached by ClinVar (database versions not stated): TOPMed below 0.00001; gnomAD exomes 0.00001 and 0.00002.

Submission:

Labcorp Genetics (formerly Invitae), Labcorp
Classification: Uncertain significance for Epidermolysis bullosa simplex 3, localized or generalized intermediate, with BP230 deficiency; Hereditary sensory and autonomic neuropathy type 6. Last evaluated: 2021-08-26. Review status: criteria provided, single submitter. Criteria: Invitae Variant Classification Sherloc (09022015). Collection method: clinical testing. Allele origin: germline.
Comment: This sequence change replaces alanine with threonine at codon 2819 of the DST protein (p.Ala2819Thr). The DST gene has multiple clinically relevant transcripts. This variant occurs in alternate transcript NM_015548.4, and corresponds to NM_001723.5:c.*63049G>A in the primary transcript. This variant is not present in population databases (ExAC no frequency). This variant has not been reported in the literature in individuals affected with DST-related conditions. ClinVar contains an entry for this variant (Variation ID: 1051115). Experimental studies and prediction algorithms are not available or were not evaluated, and the functional significance of this variant is currently unknown. In summary, the available evidence is currently insufficient to determine the role of this variant in disease. Therefore, it has been classified as a Variant of Uncertain Significance.

NM_001374736.1(DST):c.16324G>A (p.Ala5442Thr)

Gene: DST (dystonin; minus strand). Cytogenetic location: 6p12.1.
Variant type: single nucleotide variant.
Coding change: c.16324G>A on transcript NM_001374736.1 (MANE Select); coding-DNA position 16324, G replaced by A.
Protein change: p.Ala5442Thr; replaces alanine 5442 with threonine.
Molecular consequence: missense variant.
Genome position (GRCh38, 1-based): chr6:56,552,468, C>T on the plus strand (G>A on the coding strand, the complement: DST is on the minus strand). VCF-style: chr6-56552468-C-T. GRCh37 (hg19) VCF-style: chr6-56417266-C-T.
Other names: c.9967G>A, p.Ala3323Thr (NM_001144769.5); c.9553G>A, p.Ala3185Thr (NM_001144770.2); c.16324G>A, p.Ala5442Thr (NM_001374722.1); c.15691G>A, p.Ala5231Thr (NM_001374729.1); c.9433G>A, p.Ala3145Thr (NM_001374730.1, NM_001386100.1, NM_183380.4); c.16351G>A, p.Ala5451Thr (NM_001374734.1); c.8455G>A, p.Ala2819Thr (NM_015548.5); short protein forms A2819T, A3145T, A3185T, A3323T, A5231T, A5442T, A5451T.
Identifiers: ClinVar variation 1051115 (VCV001051115.4), dbSNP rs888432141, ClinGen allele CA139206038.